The following is an entry in ClinVar:

NM_006031.6(PCNT):c.9304G>A (p.Glu3102Lys)

Gene: PCNT (pericentrin; plus strand). Cytogenetic location: 21q22.3.
Variant type: single nucleotide variant.
Coding change: c.9304G>A on transcript NM_006031.6 (MANE Select); coding-DNA position 9304, G replaced by A.
Protein change: p.Glu3102Lys; replaces glutamic acid 3102 with lysine.
Molecular consequence: missense variant.
Genome position (GRCh38, 1-based): chr21:46,440,113, G>A. VCF-style: chr21-46440113-G-A. GRCh37 (hg19) VCF-style: chr21-47860026-G-A.
Other names: c.8713G>A, p.Glu2905Lys (NM_001315529.2); short protein forms E3102K, E2905K.
Identifiers: ClinVar variation 436235 (VCV000436235.36), dbSNP rs775636867, ClinGen allele CA10081283.
Genomic context (GRCh38, chr21:46,440,113, plus strand): 5'-GTAGACAGCGCTGGCTGTGCTTCCTTACAGAGGTCGGAAAGGTCTGCTTGGAAGCCAGAC[G>A]AAACGGCTCCACAGAGTTCCCTGAGGCGCCCAGACCCCGGCCGGCTTCCACCAGCTGCCA-3'
Protein context (NP_006022.3, residues 3092-3112): RSERSAWKPD[Glu3102Lys]TAPQSSLRRP

ClinVar aggregate classification (germline): Uncertain significance. Review status: criteria provided, multiple submitters, no conflicts (2 of 4 stars). 5 submissions from 5 submitters: Uncertain significance (5). Last evaluated 2026-07-11.

Conditions:
PCNT-related disorder. Also called: PCNT-related condition.
Microcephalic osteodysplastic primordial dwarfism type II (MOPD2). Also called: OSTEODYSPLASTIC PRIMORDIAL DWARFISM, TYPE II; Microcephalic osteodysplastic primordial dwarfism with tooth abnormalities; MOPD II. Identifiers: Orphanet 2637, MedGen C0432246, MONDO:0008872, OMIM 210720.

Allele frequency attached by ClinVar (database versions not stated): gnomAD 0.00003; TOPMed 0.00003; ExAC 0.00004; gnomAD exomes 0.00004 and 0.00005.
gnomAD v4.1: 71 of 1,614,032 alleles (0.0044%); highest among the groups gnomAD compares: Non-Finnish European, 0.0053%; no homozygotes.

Submissions (5):

PreventionGenetics, part of Exact Sciences
Classification: Uncertain significance for PCNT-related condition. Last evaluated: 2026-07-11. Review status: criteria provided, single submitter. Criteria: ACMG Guidelines, 2015. Collection method: clinical testing. Allele origin: germline.
Comment: The PCNT c.9304G>A variant is predicted to result in the amino acid substitution p.Glu3102Lys. To our knowledge, this variant has not been reported in the literature. This variant is reported in 0.0078% of alleles in individuals of European (Non-Finnish) descent in gnomAD. At this time, the clinical significance of this variant is uncertain due to the absence of conclusive functional and genetic evidence.

CeGaT Center for Human Genetics Tuebingen
Classification: Uncertain significance. Last evaluated: 2024-02-01. Review status: criteria provided, single submitter. Criteria: CeGaT Center For Human Genetics Tuebingen Variant Classification Criteria Version 2. Collection method: clinical testing. Allele origin: germline. Affected: yes. Observed: 1 variant allele.
Comment: PCNT: PM2, BP4

Labcorp Genetics (formerly Invitae), Labcorp
Classification: Uncertain significance. Last evaluated: 2022-02-05. Review status: criteria provided, single submitter. Criteria: Invitae Variant Classification Sherloc (09022015). Collection method: clinical testing. Allele origin: germline.
Comment: This sequence change replaces glutamic acid, which is acidic and polar, with lysine, which is basic and polar, at codon 3102 of the PCNT protein (p.Glu3102Lys). This variant is present in population databases (rs775636867, gnomAD 0.008%). This variant has not been reported in the literature in individuals affected with PCNT-related conditions. ClinVar contains an entry for this variant (Variation ID: 436235). Algorithms developed to predict the effect of missense changes on protein structure and function output the following: SIFT: "Tolerated"; PolyPhen-2: "Possibly Damaging"; Align-GVGD: "Class C0". The lysine amino acid residue is found in multiple mammalian species, which suggests that this missense change does not adversely affect protein function. In summary, the available evidence is currently insufficient to determine the role of this variant in disease. Therefore, it has been classified as a Variant of Uncertain Significance.

Illumina Laboratory Services, Illumina
Classification: Uncertain significance for Microcephalic osteodysplastic primordial dwarfism type II. Last evaluated: 2018-01-13. Review status: criteria provided, single submitter. Criteria: ICSL Variant Classification Criteria 13 December 2019. Collection method: clinical testing. Allele origin: germline.

Genetic Services Laboratory, University of Chicago
Classification: Uncertain significance. Last evaluated: 2015-11-16. Review status: criteria provided, single submitter. Criteria: ACMG Guidelines, 2015. Collection method: clinical testing. Allele origin: germline. Affected: no.